The following is an entry in ClinVar:

NM_002693.3(POLG):c.1942C>A (p.Pro648Thr)

Gene: POLG (DNA polymerase gamma, catalytic subunit; minus strand). Cytogenetic location: 15q26.1.
Variant type: single nucleotide variant.
Coding change: c.1942C>A on transcript NM_002693.3 (MANE Select); coding-DNA position 1942, C replaced by A.
Protein change: p.Pro648Thr; replaces proline 648 with threonine.
Molecular consequence: missense variant.
Genome position (GRCh38, 1-based): chr15:89,325,457, G>T on the plus strand (C>A on the coding strand, the complement: POLG is on the minus strand). VCF-style: chr15-89325457-G-T. GRCh37 (hg19) VCF-style: chr15-89868688-G-T.
Other names: c.1942C>A, p.Pro648Thr (NM_001126131.2); short protein forms P648T.
Identifiers: ClinVar variation 4992312 (VCV004992312.1).
Genomic context (GRCh38, chr15:89,325,457, plus strand): 5'-GGGGAAGGGGTCCCTAGGCTCCAGCCCCTTCCTCCCCTGGGCCTAAGCCTTACCTGTAGG[G>T]GCAGACCACCCCAGCTGACTCCAGGGTGGTACCTGTCGGCAGCTTGGCCAGGTTGTCCCG-3'
Protein context (NP_002684.1, residues 638-658): TTLESAGVVC[Pro648Thr]YRAIESLYRK

ClinVar aggregate classification (germline): Uncertain significance (1 of 4 stars; one submission).

Conditions:
POLG-related disorder. Also called: POLG-Related Spectrum Disorders; POLG-related condition; POLG-Related Disorders. Identifiers: MedGen C4763519.

Submission:

PreventionGenetics, part of Exact Sciences
Classification: Uncertain significance for POLG-related condition. Last evaluated: 2026-02-11. Review status: criteria provided, single submitter. Criteria: ACMG Guidelines, 2015. Collection method: clinical testing. Allele origin: germline.
Comment: The POLG c.1942C>A variant is predicted to result in the amino acid substitution p.Pro648Thr. To our knowledge, this variant has not been reported in the literature or in a large population database (gnomAD), indicating this variant is rare. At this time, the clinical significance of this variant is uncertain due to the absence of conclusive functional and genetic evidence.